The following is an entry in ClinVar:

ClinVar aggregate classification (germline): Uncertain significance. Review status: criteria provided, multiple submitters, no conflicts (2 of 4 stars). 2 submissions from 2 submitters: Uncertain significance (2). Last evaluated 2025-09-15.

Conditions:
Inborn genetic diseases. Identifiers: MedGen C0950123, MeSH D030342.

Allele frequency attached by ClinVar (database versions not stated): gnomAD exomes 0.00001; TOPMed 0.00001.
gnomAD v4.1: 5 of 1,551,698 alleles (0.00032%); highest among the groups gnomAD compares: Admixed American, 0.0078%; no homozygotes.

Submissions (2):

Labcorp Genetics (formerly Invitae), Labcorp
Classification: Uncertain significance. Last evaluated: 2025-09-15. Review status: criteria provided, single submitter. Criteria: Invitae Variant Classification Sherloc (09022015). Collection method: clinical testing. Allele origin: germline.
Comment: This sequence change replaces asparagine, which is neutral and polar, with aspartic acid, which is acidic and polar, at codon 93 of the ARHGEF18 protein (p.Asn93Asp). This variant is present in population databases (no rsID available, gnomAD 0.008%). This variant has not been reported in the literature in individuals affected with ARHGEF18-related conditions. ClinVar contains an entry for this variant (Variation ID: 1052315). An algorithm developed to predict the effect of missense changes on protein structure and function outputs the following: PolyPhen-2: "Benign". The aspartic acid amino acid residue is found in multiple mammalian species, which suggests that this missense change does not adversely affect protein function. In summary, the available evidence is currently insufficient to determine the role of this variant in disease. Therefore, it has been classified as a Variant of Uncertain Significance.

Ambry Genetics
Classification: Uncertain significance for Inborn genetic diseases. Last evaluated: 2022-09-06. Review status: criteria provided, single submitter. Criteria: Ambry Variant Classification Scheme 2023. Collection method: clinical testing. Allele origin: germline.

NM_001367823.1(ARHGEF18):c.968-127A>G

Gene: ARHGEF18 (Rho/Rac guanine nucleotide exchange factor 18; plus strand). Cytogenetic location: 19p13.2.
Variant type: single nucleotide variant.
Coding change: c.968-127A>G on transcript NM_001367823.1 (MANE Select); 127 bases into the intron before coding-DNA position 968, A replaced by G.
Molecular consequence: intron variant. On other transcripts: missense variant (1), 5 prime UTR variant (1).
Genome position (GRCh38, 1-based): chr19:7,440,217, A>G. VCF-style: chr19-7440217-A-G. GRCh37 (hg19) VCF-style: chr19-7505103-A-G.
Other names: c.115A>G, p.Asn39Asp (NM_001130955.2); c.-198A>G (NM_001367824.1); c.-71-127A>G (NM_015318.4); c.277A>G (NM_001130955.1); short protein forms N39D.
Identifiers: ClinVar variation 1052315 (VCV001052315.10), dbSNP rs1364750057, ClinGen allele CA403094474.
Genomic context (GRCh38, chr19:7,440,217, plus strand): 5'-CCCGAGCTGTCTTTTTACGGCTCTTTCCCCAGGAAATGGAGCGAGAACGTCTTCTTGGAT[A>G]ACGAGCTGCTGACCTCCAAGATCCTGTCTGTGCTGCGGCCGCAGTCGGAGCGGGGCTTCC-3'